The following is an entry in ClinVar:

ClinVar aggregate classification (germline): Uncertain significance. Review status: criteria provided, multiple submitters, no conflicts (2 of 4 stars). 2 submissions from 2 submitters: Uncertain significance (2). Last evaluated 2025-08-18.

Allele frequency attached by ClinVar (database versions not stated): gnomAD exomes below 0.00001; TOPMed below 0.00001.
gnomAD v4.1: 5 of 1,551,832 alleles (0.00032%); highest among the groups gnomAD compares: East Asian, 0.0024%; no homozygotes.

Submissions (2):

Labcorp Genetics (formerly Invitae), Labcorp
Classification: Uncertain significance. Last evaluated: 2025-08-18. Review status: criteria provided, single submitter. Criteria: Invitae Variant Classification Sherloc (09022015). Collection method: clinical testing. Allele origin: germline.
Comment: This sequence change replaces leucine, which is neutral and non-polar, with phenylalanine, which is neutral and non-polar, at codon 2550 of the CHD8 protein (p.Leu2550Phe). This variant is not present in population databases (gnomAD no frequency). This variant has not been reported in the literature in individuals affected with CHD8-related conditions. ClinVar contains an entry for this variant (Variation ID: 1944661). Invitae Evidence Modeling of protein sequence and biophysical properties (such as structural, functional, and spatial information, amino acid conservation, physicochemical variation, residue mobility, and thermodynamic stability) indicates that this missense variant is not expected to disrupt CHD8 protein function with a negative predictive value of 95%. In summary, the available evidence is currently insufficient to determine the role of this variant in disease. Therefore, it has been classified as a Variant of Uncertain Significance.

Blueprint Genetics
Classification: Uncertain significance. Last evaluated: 2019-11-22. Review status: criteria provided, single submitter. Criteria: ACMG Guidelines, 2015. Collection method: clinical testing. Allele origin: germline.

NM_001170629.2(CHD8):c.7650A>T (p.Leu2550Phe)

Gene: CHD8 (chromodomain helicase DNA binding protein 8; minus strand). Cytogenetic location: 14q11.2.
Variant type: single nucleotide variant.
Coding change: c.7650A>T on transcript NM_001170629.2 (MANE Select); coding-DNA position 7650, A replaced by T.
Protein change: p.Leu2550Phe; replaces leucine 2550 with phenylalanine.
Molecular consequence: missense variant.
Genome position (GRCh38, 1-based): chr14:21,385,709, T>A on the plus strand (A>T on the coding strand, the complement: CHD8 is on the minus strand). VCF-style: chr14-21385709-T-A. GRCh37 (hg19) VCF-style: chr14-21853868-T-A.
Other names: c.6813A>T, p.Leu2271Phe (NM_020920.4); short protein forms L2271F, L2550F.
Identifiers: ClinVar variation 1944661 (VCV001944661.5), dbSNP rs1887192182, ClinGen allele CA388874447.